The following is an entry in ClinVar:

NM_000492.4(CFTR):c.767G>T (p.Ser256Ile)

Gene: CFTR (CF transmembrane conductance regulator; plus strand). Cytogenetic location: 7q31.2.
Variant type: single nucleotide variant.
Coding change: c.767G>T on transcript NM_000492.4 (MANE Select); coding-DNA position 767, G replaced by T.
Protein change: p.Ser256Ile; replaces serine 256 with isoleucine.
Molecular consequence: missense variant.
Genome position (GRCh38, 1-based): chr7:117,536,571, G>T. VCF-style: chr7-117536571-G-T. GRCh37 (hg19) VCF-style: chr7-117176625-G-T.
Other names: short protein forms S256I.
Identifiers: ClinVar variation 4649187 (VCV004649187.1).

ClinVar aggregate classification (germline): Uncertain significance (1 of 4 stars; one submission).

Conditions:
Cystic fibrosis (CF). Also called: MUCOVISCIDOSIS. Identifiers: Orphanet 586, MedGen C0010674, MONDO:0009061, OMIM 219700. Disease mechanism: loss of function.

Submission:

Ambry Genetics
Classification: Uncertain significance for Cystic fibrosis. Last evaluated: 2025-11-04. Review status: criteria provided, single submitter. Criteria: Ambry Variant Classification Scheme 2023. Collection method: clinical testing. Allele origin: germline.
Comment: The p.S256I variant (also known as c.767G>T), located in coding exon 7 of the CFTR gene, results from a G to T substitution at nucleotide position 767. The serine at codon 256 is replaced by isoleucine, an amino acid with dissimilar properties. This amino acid position is conserved. In addition, the in silico prediction for this alteration is inconclusive. Based on the available evidence, the clinical significance of this variant remains unclear.